The following is an entry in ClinVar:

ClinVar aggregate classification (germline): Uncertain significance (1 of 4 stars; one submission).

Conditions:
Familial meningioma. Also called: Meningioma, familial, susceptibility to. Identifiers: Orphanet 263662, MedGen C3551915, MONDO:0011789, OMIM 607174.

gnomAD v4.1: 2 of 1,613,992 alleles (0.00012%); highest among the groups gnomAD compares: Non-Finnish European, 0.000085%; no homozygotes.

Submission:

Labcorp Genetics (formerly Invitae), Labcorp
Classification: Uncertain significance for Familial meningioma. Last evaluated: 2024-05-23. Review status: criteria provided, single submitter. Criteria: Invitae Variant Classification Sherloc (09022015). Collection method: clinical testing. Allele origin: germline.
Comment: This sequence change replaces glutamic acid, which is acidic and polar, with glycine, which is neutral and non-polar, at codon 294 of the SMARCE1 protein (p.Glu294Gly). This variant is not present in population databases (gnomAD no frequency). This variant has not been reported in the literature in individuals affected with SMARCE1-related conditions. Advanced modeling of protein sequence and biophysical properties (such as structural, functional, and spatial information, amino acid conservation, physicochemical variation, residue mobility, and thermodynamic stability) performed at Invitae indicates that this missense variant is not expected to disrupt SMARCE1 protein function with a negative predictive value of 80%. In summary, the available evidence is currently insufficient to determine the role of this variant in disease. Therefore, it has been classified as a Variant of Uncertain Significance.

NM_003079.5(SMARCE1):c.881A>G (p.Glu294Gly)

Gene: SMARCE1 (SWI/SNF related BAF chromatin remodeling complex subunit E1; minus strand). Cytogenetic location: 17q21.2.
Variant type: single nucleotide variant.
Coding change: c.881A>G on transcript NM_003079.5 (MANE Select); coding-DNA position 881, A replaced by G.
Protein change: p.Glu294Gly; replaces glutamic acid 294 with glycine.
Molecular consequence: missense variant.
Genome position (GRCh38, 1-based): chr17:40,630,860, T>C on the plus strand (A>G on the coding strand, the complement: SMARCE1 is on the minus strand). VCF-style: chr17-40630860-T-C. GRCh37 (hg19) VCF-style: chr17-38787112-T-C.
Other names: short protein forms E294G.
Identifiers: ClinVar variation 3678131 (VCV003678131.2).
Genomic context (GRCh38, chr17:40,630,860, plus strand): 5'-CTGCGCTCAGCTTGCTCTGCGGCCTCCTTCTCCCTTTCCTCCTGCCTTTTGCGGGCCTGT[T>C]CCTCTGCCTGTGCAATCTCAGCTGCAATTTTCTCCATATCCACTTCTACTTTCAGACCGC-3'
Protein context (NP_003070.3, residues 284-304): KIAAEIAQAE[Glu294Gly]QARKRQEERE